The following is an entry in ClinVar:

NM_001003787.4(STRADA):c.1183C>T (p.Arg395Cys)

Gene: STRADA (STE20 related adaptor alpha; minus strand). Cytogenetic location: 17q23.3.
Variant type: single nucleotide variant.
Coding change: c.1183C>T on transcript NM_001003787.4 (MANE Select); coding-DNA position 1183, C replaced by T.
Protein change: p.Arg395Cys; replaces arginine 395 with cysteine.
Molecular consequence: missense variant. On other transcripts: 3 prime UTR variant (6), non-coding transcript variant (1).
Genome position (GRCh38, 1-based): chr17:63,703,712, G>A on the plus strand (C>T on the coding strand, the complement: STRADA is on the minus strand). VCF-style: chr17-63703712-G-A. GRCh37 (hg19) VCF-style: chr17-61781072-G-A.
Other names: c.1072C>T, p.Arg358Cys (NM_001003786.3); c.1009C>T, p.Arg337Cys (NM_001003788.3); c.*60C>T (NM_001165969.2, NM_001165970.2, NM_001363788.1 and 2 more transcripts); c.1159C>T, p.Arg387Cys (NM_001363786.1); c.1096C>T, p.Arg366Cys (NM_001363787.1); c.875C>T, p.Ser292Leu (NM_001363790.1); c.*571C>T (NM_153335.6); short protein forms R337C, R358C, R366C, R387C, R395C, S292L.
Identifiers: ClinVar variation 1020519 (VCV001020519.6), dbSNP rs750892004, ClinGen allele CA8703069.

ClinVar aggregate classification (germline): Uncertain significance (1 of 4 stars; one submission).

Conditions:
Polyhydramnios, megalencephaly, and symptomatic epilepsy (PMSE). Also called: PMSE SYNDROME. Identifiers: Orphanet 500533, MedGen C1970203, MONDO:0012611, OMIM 611087.

Allele frequency attached by ClinVar (database versions not stated): ExAC 0.00001; gnomAD 0.00001; gnomAD exomes 0.00001 and 0.00002.

Submission:

Labcorp Genetics (formerly Invitae), Labcorp
Classification: Uncertain significance for Polyhydramnios, megalencephaly, and symptomatic epilepsy. Last evaluated: 2021-08-31. Review status: criteria provided, single submitter. Criteria: Invitae Variant Classification Sherloc (09022015). Collection method: clinical testing. Allele origin: germline.
Comment: This sequence change replaces arginine with cysteine at codon 395 of the STRADA protein (p.Arg395Cys). The arginine residue is moderately conserved and there is a large physicochemical difference between arginine and cysteine. This variant is present in population databases (rs750892004, ExAC 0.006%). This variant has not been reported in the literature in individuals affected with STRADA-related conditions. Algorithms developed to predict the effect of missense changes on protein structure and function (SIFT, PolyPhen-2, Align-GVGD) all suggest that this variant is likely to be tolerated. In summary, the available evidence is currently insufficient to determine the role of this variant in disease. Therefore, it has been classified as a Variant of Uncertain Significance.